The following is an entry in ClinVar:

NM_022089.4(ATP13A2):c.706-3C>T

Gene: ATP13A2 (ATPase cation transporting 13A2; minus strand). Cytogenetic location: 1p36.13.
Variant type: single nucleotide variant.
Coding change: c.706-3C>T on transcript NM_022089.4 (MANE Select); 3 bases into the intron before coding-DNA position 706, C replaced by T.
Molecular consequence: intron variant.
Genome position (GRCh38, 1-based): chr1:17,000,537, G>A on the plus strand (C>T on the coding strand, the complement: ATP13A2 is on the minus strand). VCF-style: chr1-17000537-G-A. GRCh37 (hg19) VCF-style: chr1-17327032-G-A.
Other names: c.691-3C>T (NM_001141973.3, NM_001141974.3).
Identifiers: ClinVar variation 654444 (VCV000654444.5), dbSNP rs753707797, ClinGen allele CA637507.

ClinVar aggregate classification (germline): Uncertain significance (1 of 4 stars; one submission).

Conditions:
Kufor-Rakeb syndrome (KRS). Also called: PARKINSON DISEASE 9, AUTOSOMAL RECESSIVE, JUVENILE-ONSET. Identifiers: Orphanet 306674, Orphanet 314632, MedGen C1847640, MONDO:0011706, OMIM 606693.
Autosomal recessive spastic paraplegia type 78. Identifiers: Orphanet 513436, MedGen C5567893, MONDO:0014975, OMIM 617225.

gnomAD v4.1: 14 of 1,613,206 alleles (0.00087%); highest among the groups gnomAD compares: Non-Finnish European, 0.0012%; no homozygotes.

Submission:

Labcorp Genetics (formerly Invitae), Labcorp
Classification: Uncertain significance for Kufor-Rakeb syndrome; Autosomal recessive spastic paraplegia type 78. Last evaluated: 2025-08-21. Review status: criteria provided, single submitter. Criteria: Invitae Variant Classification Sherloc (09022015). Collection method: clinical testing. Allele origin: germline.
Comment: This sequence change falls in intron 8 of the ATP13A2 gene. It does not directly change the encoded amino acid sequence of the ATP13A2 protein. It affects a nucleotide within the consensus splice site. This variant is present in population databases (rs753707797, gnomAD 0.0009%). This variant has not been reported in the literature in individuals affected with ATP13A2-related conditions. ClinVar contains an entry for this variant (Variation ID: 654444). Variants that disrupt the consensus splice site are a relatively common cause of aberrant splicing (PMID: 17576681, 9536098). Algorithms developed to predict the effect of sequence changes on RNA splicing suggest that this variant is not likely to affect RNA splicing. In summary, the available evidence is currently insufficient to determine the role of this variant in disease. Therefore, it has been classified as a Variant of Uncertain Significance.

Literature cited by the submitters: PubMed 17576681; PubMed 9536098.